The following is an entry in ClinVar:

NM_017662.5(TRPM6):c.2776G>A (p.Val926Ile)

Gene: TRPM6 (transient receptor potential cation channel subfamily M member 6; minus strand). Cytogenetic location: 9q21.13.
Variant type: single nucleotide variant.
Coding change: c.2776G>A on transcript NM_017662.5 (MANE Select); coding-DNA position 2776, G replaced by A.
Protein change: p.Val926Ile; replaces valine 926 with isoleucine.
Molecular consequence: missense variant.
Genome position (GRCh38, 1-based): chr9:74,786,017, C>T on the plus strand (G>A on the coding strand, the complement: TRPM6 is on the minus strand). VCF-style: chr9-74786017-C-T. GRCh37 (hg19) VCF-style: chr9-77400933-C-T.
Other names: c.2761G>A, p.Val921Ile (NM_001177310.2, NM_001177311.2); short protein forms V926I, V921I.
Identifiers: ClinVar variation 914964 (VCV000914964.14), dbSNP rs140835112, ClinGen allele CA5084449.
Genomic context (GRCh38, chr9:74,786,017, plus strand): 5'-TGTCTATGCAGTAGATCAGTCTTCCCGCTGTGTGAAAAGGAGGGTCACCCCATCGAAGGA[C>T]GAAGCCAGCTGAAAACAGGCCAATGGCCACAGTTTCTGTTAAGTTCCAGTACTCACTAAT-3'
Protein context (NP_060132.3, residues 916-936): VAIGLFSAGF[Val926Ile]LRWGDPPFHT

ClinVar aggregate classification (germline): Conflicting classifications of pathogenicity. Review status: criteria provided, conflicting classifications (1 of 4 stars). 4 submissions from 4 submitters: Uncertain significance (1); Likely benign (2). 1 of the submissions does not count toward it. Last evaluated 2026-01-11.

Conditions:
Intestinal hypomagnesemia 1. Also called: HYPOMAGNESEMIA, INTESTINAL, WITH SECONDARY HYPOCALCEMIA; HYPOMAGNESEMIC TETANY. Identifiers: Orphanet 30924, MedGen C1865974, MONDO:0011176, OMIM 602014.
TRPM6-related disorder. Also called: TRPM6-related condition.

Allele frequency attached by ClinVar (database versions not stated): 1000 Genomes Project 30x 0.00031; 1000 Genomes Project 0.00040; ExAC 0.00100; gnomAD exomes 0.00105 and 0.00226; gnomAD 0.00119 and 0.00123; TOPMed 0.00124; ESP Exome Variant Server 0.00177.
gnomAD v4.1: 3,474 of 1,614,178 alleles (0.22%); highest among the groups gnomAD compares: Middle Eastern, 0.53%; 7 homozygotes.

Submissions (4):

Labcorp Genetics (formerly Invitae), Labcorp
Classification: Likely benign. Last evaluated: 2026-01-11. Review status: criteria provided, single submitter. Criteria: Invitae Variant Classification Sherloc (09022015). Collection method: clinical testing. Allele origin: germline.

Blueprint Genetics
Classification: Likely benign. Last evaluated: 2024-11-27. Review status: criteria provided, single submitter. Criteria: ACMG Guidelines, 2015. Collection method: clinical testing. Allele origin: germline.

Illumina Laboratory Services, Illumina
Classification: Uncertain significance for Intestinal hypomagnesemia 1. Last evaluated: 2018-01-13. Review status: criteria provided, single submitter. Criteria: ICSL Variant Classification Criteria 13 December 2019. Collection method: clinical testing. Allele origin: germline.

PreventionGenetics, part of Exact Sciences
Classification: Likely benign for TRPM6-related condition. Last evaluated: 2022-11-01. Review status: no assertion criteria provided. Collection method: clinical testing. Allele origin: germline. Not counted in ClinVar's aggregate classification.
Comment: This variant is classified as likely benign based on ACMG/AMP sequence variant interpretation guidelines (Richards et al. 2015 PMID: 25741868, with internal and published modifications).